The following is an entry in ClinVar:

NM_145068.4(TRPV3):c.*1485G>A

Genes: SPATA22 (spermatogenesis associated 22; minus strand), TRPV3 (transient receptor potential cation channel subfamily V member 3; minus strand). Cytogenetic location: 17p13.2.
Variant type: single nucleotide variant.
Coding change: c.*1485G>A on transcript NM_145068.4 (MANE Select); 1485 bases downstream of the stop codon, G replaced by A.
Molecular consequence: 3 prime UTR variant. On other transcripts: intron variant (2).
Genome position (GRCh38, 1-based): chr17:3,512,432, C>T on the plus strand (G>A on the coding strand, the complement: TRPV3 is on the minus strand). VCF-style: chr17-3512432-C-T. GRCh37 (hg19) VCF-style: chr17-3415726-C-T.
Other names: c.*1485G>A (NM_001258205.2); c.-74+980G>A (NM_001321336.2, NM_001321337.2).
Identifiers: ClinVar variation 322721 (VCV000322721.7), dbSNP rs542568031, ClinGen allele CA10649890.

ClinVar aggregate classification (germline): Benign (1 of 4 stars; one submission).

Conditions:
Isolated focal non-epidermolytic palmoplantar keratoderma. Also called: Palmoplantar keratoderma, nonepidermolytic, focal 2. Identifiers: Orphanet 448264, MedGen C4225339, MONDO:0014622, OMIM 616400.

Allele frequency attached by ClinVar (database versions not stated): gnomAD below 0.00001 and 0.00015; 1000 Genomes Project 0.00080; 1000 Genomes Project 30x 0.00109; TOPMed 0.00002.

Submission:

Illumina Laboratory Services, Illumina
Classification: Benign for Isolated focal non-epidermolytic palmoplantar keratoderma. Last evaluated: 2018-01-12. Review status: criteria provided, single submitter. Criteria: ICSL Variant Classification Criteria 13 December 2019. Collection method: clinical testing. Allele origin: germline.
Comment: This variant was observed in the ICSL laboratory as part of a predisposition screen in an ostensibly healthy population. It had not been previously curated by ICSL or reported in the Human Gene Mutation Database (HGMD: prior to June 1st, 2018), and was therefore a candidate for classification through an automated scoring system. Utilizing variant allele frequency, disease prevalence and penetrance estimates, and inheritance mode, an automated score was calculated to assess if this variant is too frequent to cause the disease. Based on the score and internal cut-off values, a variant classified as benign is not then subjected to further curation. The score for this variant resulted in a classification of benign for this disease.